The following is an entry in ClinVar:

NM_033380.3(COL4A5):c.2936G>A (p.Gly979Glu)

Gene: COL4A5 (collagen type IV alpha 5 chain; plus strand). Cytogenetic location: Xq22.3.
Variant type: single nucleotide variant.
Coding change: c.2936G>A on transcript NM_033380.3 (MANE Select); coding-DNA position 2936, G replaced by A.
Protein change: p.Gly979Glu; replaces glycine 979 with glutamic acid.
Molecular consequence: missense variant.
Genome position (GRCh38, 1-based): chrX:108,624,254, G>A. VCF-style: chrX-108624254-G-A. GRCh37 (hg19) VCF-style: chrX-107867484-G-A.
Other names: c.2936G>A, p.Gly979Glu (NM_000495.5); short protein forms G979E.
Identifiers: ClinVar variation 2002208 (VCV002002208.4), dbSNP rs2524414128, ClinGen allele CA413853217.

ClinVar aggregate classification (germline): Likely pathogenic (1 of 4 stars; one submission).

Submission:

Labcorp Genetics (formerly Invitae), Labcorp
Classification: Likely pathogenic. Last evaluated: 2022-06-03. Review status: criteria provided, single submitter. Criteria: Invitae Variant Classification Sherloc (09022015). Collection method: clinical testing. Allele origin: germline.
Comment: This sequence change replaces glycine, which is neutral and non-polar, with glutamic acid, which is acidic and polar, at codon 979 of the COL4A5 protein (p.Gly979Glu). This variant is not present in population databases (gnomAD no frequency). This variant has not been reported in the literature in individuals affected with COL4A5-related conditions. Advanced modeling of protein sequence and biophysical properties (such as structural, functional, and spatial information, amino acid conservation, physicochemical variation, residue mobility, and thermodynamic stability) performed at Invitae indicates that this missense variant is expected to disrupt COL4A5 protein function. This variant disrupts the triple helix domain of COL4A5. Glycine residues within the Gly-Xaa-Yaa repeats of the triple helix domain are required for the structure and stability of fibrillar collagens (PMID: 7695699, 8218237, 19344236). In COL4A5, missense variants at these glycine residues are significantly enriched in individuals with disease (PMID: 23720012, 27627812) compared to the general population (ExAC). In summary, the currently available evidence indicates that the variant is pathogenic, but additional data are needed to prove that conclusively. Therefore, this variant has been classified as Likely Pathogenic.

Literature cited by the submitters: PubMed 7695699; PubMed 8218237; PubMed 19344236; PubMed 23720012; PubMed 27627812.